The following is an entry in ClinVar:

ClinVar aggregate classification (germline): Uncertain significance (1 of 4 stars; one submission).

Allele frequency attached by ClinVar (database versions not stated): gnomAD exomes below 0.00001; TOPMed below 0.00001.

Submission:

Labcorp Genetics (formerly Invitae), Labcorp
Classification: Uncertain significance. Last evaluated: 2026-01-05. Review status: criteria provided, single submitter. Criteria: Invitae Variant Classification Sherloc (09022015). Collection method: clinical testing. Allele origin: germline.
Comment: This sequence change replaces alanine, which is neutral and non-polar, with valine, which is neutral and non-polar, at codon 71 of the ATP5D protein (p.Ala71Val). This variant is not present in population databases (gnomAD no frequency). This variant has not been reported in the literature in individuals affected with ATP5D-related conditions. ClinVar contains an entry for this variant (Variation ID: 1931656). An algorithm developed to predict the effect of missense changes on protein structure and function (PolyPhen-2) suggests that this variant is likely to be tolerated. In summary, the available evidence is currently insufficient to determine the role of this variant in disease. Therefore, it has been classified as a Variant of Uncertain Significance.

NM_001687.5(ATP5F1D):c.212C>T (p.Ala71Val)

Gene: ATP5F1D (ATP synthase F1 subunit delta; plus strand). Cytogenetic location: 19p13.3.
Variant type: single nucleotide variant.
Coding change: c.212C>T on transcript NM_001687.5 (MANE Select); coding-DNA position 212, C replaced by T.
Protein change: p.Ala71Val; replaces alanine 71 with valine.
Molecular consequence: missense variant.
Genome position (GRCh38, 1-based): chr19:1,242,526, C>T. VCF-style: chr19-1242526-C-T. GRCh37 (hg19) VCF-style: chr19-1242525-C-T.
Other names: c.212C>T, p.Ala71Val (NM_001001975.2); short protein forms A71V.
Identifiers: ClinVar variation 1931656 (VCV001931656.5), dbSNP rs2081042751, ClinGen allele CA402980287.